The following is an entry in ClinVar:

NR_003051.3(RMRP):n.-7_1dupAGGACGTG

Gene: RMRP (RNA component of mitochondrial RNA processing endoribonuclease; minus strand). Cytogenetic location: 9p13.3.
Variant type: Duplication.
Molecular consequence: non-coding transcript variant (on NR_003051.3).
Genome position: GRCh38 VCF-style: chr9-35658017-C-CCACGTCCT. GRCh37 (hg19) VCF-style: chr9-35658014-C-CCACGTCCT.
Identifiers: ClinVar variation 487440 (VCV000487440.15), dbSNP rs752934195, ClinGen allele CA5045873.

ClinVar aggregate classification (germline): Pathogenic/Likely pathogenic. Review status: criteria provided, multiple submitters, no conflicts (2 of 4 stars). 8 submissions from 8 submitters: Pathogenic (4); Likely pathogenic (2). 2 of the submissions do not count toward it. Last evaluated 2026-01-21.

Conditions:
Anauxetic dysplasia 1 (ANXD1). Also called: Anauxetic Dysplasia (AD). Identifiers: Orphanet 93347, MedGen C4551965, MONDO:0054560, OMIM 607095.
Metaphyseal chondrodysplasia, McKusick type (CHH). Also called: Cartilage-hair hypoplasia; Cartilage-Hair Hypoplasia (CHH). Identifiers: Orphanet 175, MedGen C0220748, MONDO:0009595, OMIM 250250.
Metaphyseal dysplasia without hypotrichosis. Also called: Metaphyseal Dysplasia without Hypotrichosis (MDWH); CARTILAGE-HAIR HYPOPLASIA VARIANT, SKELETAL MANIFESTATIONS ONLY; CARTILAGE-HAIR HYPOPLASIA-LIKE SKELETAL DYSPLASIA WITHOUT HYPOTRICHOSIS OR IMMUNODEFICIENCY. Identifiers: MedGen C1834821, MONDO:0009601, OMIM 250460.
Anauxetic dysplasia. Identifiers: Orphanet 93347, MedGen C1846796, MONDO:0011773.
RMRP-related disorder. Also called: RMRP-related condition.

Submissions (8):

Labcorp Genetics (formerly Invitae), Labcorp
Classification: Pathogenic for Anauxetic dysplasia. Last evaluated: 2026-01-21. Review status: criteria provided, single submitter. Criteria: Invitae Variant Classification Sherloc (09022015). Collection method: clinical testing. Allele origin: germline.
Comment: This variant occurs in the RMRP gene, which encodes an RNA molecule that does not result in a protein product. This variant is present in population databases (rs752934195, gnomAD 0.3%). This variant has been observed in individual(s) with cartilage-hair hypoplasia anauxetic dysplasia spectrum disorder (PMID: 16244706). Other insertions and duplications immediately upstream of the coding sequence have been reported in individuals affected with cartilage-hair hypoplasia-anauxetic dysplasia (CHH-AD) spectrum disorders (PMID: 16244706, 11207361, 12107819). This variant is also known as g.-8_-1dupAGGACGTG. ClinVar contains an entry for this variant (Variation ID: 487440). While functional studies for this variant have not been reported, experimental analyses using patient derived cells, as well as in vitro transfection studies, have shown that promoter insertions result in silencing of RMRP transcription and reduced expression of the gene product (PMID: 11207361, 16254002). For these reasons, this variant has been classified as Pathogenic.

GeneDx
Classification: Likely pathogenic. Last evaluated: 2025-12-15. Review status: criteria provided, single submitter. Criteria: GeneDx Variant Classification Process June 2021. Collection method: clinical testing. Allele origin: germline.
Comment: Located in a non-coding RNA; Duplication, triplication, or insertion variants in the promoter region of the RMRP are expected to disrupt normal gene expression, and this is an established mechanism of disease. (PMID: 11207361, 21146796); In the absence of RNA/functional studies, the actual effect of this sequence change is unknown; Also known as g.-8_-1dupAGGACGTG; This variant is associated with the following publications: (PMID: 11207361, 16254002, 17701897, 17937437, 18804272, 21956908, 16244706, 21396580, 21146796)

Natera, Inc.
Classification: Pathogenic for Cartilage-hair hypoplasia. Last evaluated: 2025-05-30. Review status: criteria provided, single submitter. Criteria: Natera Variant Classification Schema (03/2026). Collection method: clinical testing. Allele origin: germline.
Comment: The n.-7_1dupAGGACGTG variant in RMRP is a duplication affecting the RMRP promoter region between the TATA box and the transcription initiation site. Other duplications and insertions just upstream of the transcription initiation site have been reported in individuals affected with cartilage-hair hypoplasia (PMID: 11207361, 17937437). This variant is rare in the general population with a frequency below the threshold expected for the associated phenotype(s). This variant has been observed in one or more individuals affected with the associated recessive disease, as either homozygous or compound heterozygous with a second variant (PMID: 16244706). Given the available evidence, this variant is classified as Pathogenic.

Blueprint Genetics
Classification: Likely pathogenic for RMRP-related disorders. Last evaluated: 2022-11-02. Review status: criteria provided, single submitter. Criteria: ACMG Guidelines, 2015. Collection method: clinical testing. Allele origin: germline. Affected: yes. Observed: 3 variant alleles.

Fulgent Genetics
Classification: Pathogenic for Metaphyseal chondrodysplasia, McKusick type; Metaphyseal dysplasia without hypotrichosis; Anauxetic dysplasia 1. Last evaluated: 2022-05-23. Review status: criteria provided, single submitter. Criteria: ACMG Guidelines, 2015. Collection method: clinical testing. Allele origin: unknown.

Women's Health and Genetics/Laboratory Corporation of America, LabCorp
Classification: Pathogenic for Metaphyseal chondrodysplasia, McKusick type. Last evaluated: 2021-06-11. Review status: criteria provided, single submitter. Criteria: LabCorp Variant Classification Summary - May 2015. Collection method: clinical testing. Allele origin: germline.
Comment: Variant summary: The RMRP n.-7_1dupAGGACGTG variant involves the duplication of 8 nucleotides in the promoter region/ trasncriptional start-site of RMRP. Many other insertions or duplications in the promoter region of RMRP have been reported as pathogenic or likely pathogenic (internally, in ClinVar, and in the literature). The variant allele was found at a frequency of 0.00017 in 128228 control chromosomes (gnomAD and publication data). This frequency is not significantly higher than expected for a pathogenic variant in RMRP causing Cartilage-Hair Hypoplasia (0.00017 vs 0.0072), allowing no conclusion about variant significance. n.-7_1dupAGGACGTG has been reported in the literature in individuals affected with Cartilage-Hair Hypoplasia (Bonafe_2005, Kavadas_2008). These data indicate that the variant may be associated with disease. To our knowledge, no experimental evidence demonstrating an impact on protein function has been reported. However, several laboratories have reported functional studies suggesting that other mutations in the promoter region of RMRP silence transcription (e.g. Ridanpaa_2001, Hermanns_2005). Two ClinVar submitters (evaluation after 2014) cite the variant as pathogenic (n=1) and likely pathogenic (n=1). Based on the evidence outlined above, the variant was classified as pathogenic.

PreventionGenetics, part of Exact Sciences
Classification: Likely pathogenic for RMRP-related condition. Last evaluated: 2024-06-19. Review status: no assertion criteria provided. Collection method: clinical testing. Allele origin: germline. Not counted in ClinVar's aggregate classification.
Comment: The RMRP n.-7_1dup8 variant is predicted to result in an in-frame duplication (Non-Coding). This variant along with another RMRP variant was reported in one patient with Cartilage-hair hypoplasia (reported as g.-8_1dupAGGACGTG, Bonafé et al. 2005. PubMed ID: 16244706). Similar duplications have been reported to be pathogenic (e.g: n.-9_-2dup, Kavadas et al. 2008. PubMed ID: 18804272). This variant is reported in 0.25% of alleles in individuals of Ashkenazi Jewish descent in gnomAD. This variant is interpreted as likely pathogenic.

Counsyl
Classification: Likely pathogenic for Metaphyseal chondrodysplasia, McKusick type. Last evaluated: 2016-05-17. Review status: no assertion criteria provided. Collection method: clinical testing. Allele origin: unknown. Not counted in ClinVar's aggregate classification.

Literature cited by the submitters: PubMed 16244706 (cited by 4 submitters); PubMed 11207361 (cited by 4 submitters); PubMed 12107819 (cited by Labcorp Genetics (formerly Invitae), Labcorp); PubMed 16254002 (cited by 3 submitters); PubMed 17937437 (cited by Natera, Inc. and Counsyl); PubMed 18804272 (cited by Women's Health and Genetics/Laboratory Corporation of America, LabCorp and Counsyl); PubMed 17701897 (cited by Women's Health and Genetics/Laboratory Corporation of America, LabCorp); PubMed 21956908 (cited by Women's Health and Genetics/Laboratory Corporation of America, LabCorp); PubMed 21396580 (cited by Women's Health and Genetics/Laboratory Corporation of America, LabCorp).